The following is an entry in ClinVar:

ClinVar aggregate classification (germline): Likely benign (1 of 4 stars; one submission).

Submission:

CeGaT Center for Human Genetics Tuebingen
Classification: Likely benign. Last evaluated: 2025-09-01. Review status: criteria provided, single submitter. Criteria: CeGaT Center For Human Genetics Tuebingen Variant Classification Criteria Version 2. Collection method: clinical testing. Allele origin: germline. Affected: yes. Observed: 1 variant allele.
Comment: NBPF1: BP4, BP7

NM_001405666.3(NBPF1):c.1317A>G (p.Glu439=)

Gene: NBPF1 (NBPF member 1). Cytogenetic location: 1p36.13.
Variant type: single nucleotide variant.
Coding change: c.1317A>G on transcript NM_001405666.3 (MANE Select); coding-DNA position 1317, A replaced by G.
Protein change: p.Glu439=; no amino-acid change (glutamic acid 439 retained).
Molecular consequence: synonymous variant. On other transcripts: intron variant (4).
Genome position (GRCh38, 1-based): chr1:16,581,482, T>C on the plus strand (A>G on the coding strand, the complement: NBPF1 is on the minus strand). VCF-style: chr1-16581482-T-C. GRCh37 (hg19) VCF-style: chr1-16907977-T-C.
Other names: c.1317A>G, p.Glu439= (NM_001405667.2, NM_001405668.2, NM_001405669.2 and 24 more transcripts); c.999A>G, p.Glu333= (NM_001405699.2); c.278+2112A>G (NM_001405701.2); c.1091+2112A>G (NM_001405700.2, NM_001405679.2, NM_001405697.2).
Identifiers: ClinVar variation 4280836 (VCV004280836.7).
Genomic context (GRCh38, chr1:16,581,482, plus strand): 5'-GGGGGCAGATGATTCCAGTACTTTCTCAGCCTCCTCAACTTGAACATCTTCATCCTCATC[T>C]TCGTCATTTTCTGTAAATACAAAATGTTCGTTCAGATATTTCCCACTTCCCATTCTCCAA-3'
Protein context (NP_001392595.1, residues 429-449): LFQKLSPEND[Glu439=]DEDEDVQVEE